The following is an entry in ClinVar:

NM_018008.4(FEZF2):c.884A>G (p.His295Arg)

Gene: FEZF2 (FEZ family zinc finger 2; minus strand). Cytogenetic location: 3p14.2.
Variant type: single nucleotide variant.
Coding change: c.884A>G on transcript NM_018008.4 (MANE Select); coding-DNA position 884, A replaced by G.
Protein change: p.His295Arg; replaces histidine 295 with arginine.
Molecular consequence: missense variant.
Genome position (GRCh38, 1-based): chr3:62,371,636, T>C on the plus strand (A>G on the coding strand, the complement: FEZF2 is on the minus strand). VCF-style: chr3-62371636-T-C. GRCh37 (hg19) VCF-style: chr3-62357311-T-C.
Other names: short protein forms H295R.
Identifiers: ClinVar variation 4280084 (VCV004280084.1).

ClinVar aggregate classification (germline): Uncertain significance (1 of 4 stars; one submission).

Conditions:
Hypomyelination and Congenital Cataract (HLD5). Also called: hypomyelinating leukodystrophy 5. Identifiers: Orphanet 85163, MedGen C1864663, MONDO:0012514, OMIM 610532.

Submission:

Johns Hopkins Genomics, Johns Hopkins University
Classification: Uncertain significance for Hypomyelination and Congenital Cataract. Last evaluated: 2025-05-07. Review status: criteria provided, single submitter. Criteria: ACMG Guidelines, 2015. Collection method: clinical testing. Allele origin: germline.
Comment: This FEZF2 variant is absent from a large population variant database, and has not been reported in ClinVar, nor the scientific literature to our knowledge. Three bioinformatic tools predict that this variant would be damaging (SIFT 0.03, PolyPhen2HVAR 0.995, REVEL 0.941) and the histidine residue at this position is strongly conserved across the vertebrate species accessed. This missense change occurs in the first zinc finger domain (C2H2-type 1) of the FEZF2 protein. Due to limiting evidence that variants in the FEZF2 gene cause ASD and/or NDD, we consider the clinical significance of c.884A>G to be uncertain at this time.

Literature cited by the submitters: PubMed 15188439; PubMed 19404256; PubMed 38425142.